The following is an entry in ClinVar:

ClinVar aggregate classification (germline): Uncertain significance (1 of 4 stars; one submission).

Conditions:
Hereditary cancer-predisposing syndrome. Also called: Tumor predisposition; Hereditary Cancer Syndrome; Hereditary neoplastic syndrome; Neoplastic Syndromes, Hereditary. Identifiers: Orphanet 140162, MedGen C0027672, MeSH D009386, MONDO:0015356.

Submission:

Ambry Genetics
Classification: Uncertain significance for Hereditary cancer-predisposing syndrome. Last evaluated: 2024-06-08. Review status: criteria provided, single submitter. Criteria: Ambry Variant Classification Scheme 2023. Collection method: clinical testing. Allele origin: germline.
Comment: The p.G2775E variant (also known as c.8324G>A), located in coding exon 15 of the APC gene, results from a G to A substitution at nucleotide position 8324. The glycine at codon 2775 is replaced by glutamic acid, an amino acid with similar properties. This amino acid position is conserved. In addition, in silico predictors for this gene do not accurately predict pathogenicity. Based on the available evidence, the clinical significance of this variant remains unclear.

NM_000038.6(APC):c.8324G>A (p.Gly2775Glu)

Gene: APC (APC regulator of Wnt signaling pathway; plus strand). Cytogenetic location: 5q22.2.
Variant type: single nucleotide variant.
Coding change: c.8324G>A on transcript NM_000038.6 (MANE Select); coding-DNA position 8324, G replaced by A.
Protein change: p.Gly2775Glu; replaces glycine 2775 with glutamic acid.
Molecular consequence: missense variant. On other transcripts: non-coding transcript variant (2).
Genome position (GRCh38, 1-based): chr5:112,843,918, G>A. VCF-style: chr5-112843918-G-A. GRCh37 (hg19) VCF-style: chr5-112179615-G-A.
Other names: c.8324G>A, p.Gly2775Glu (NM_001354895.2, NM_001127510.3, NM_001407450.1); c.8378G>A, p.Gly2793Glu (NM_001354896.2, NM_001407447.1, NM_001407448.1 and 1 more transcripts); c.8270G>A, p.Gly2757Glu (NM_001127511.3); c.8354G>A, p.Gly2785Glu (NM_001354897.2); c.8249G>A, p.Gly2750Glu (NM_001354898.2); c.8240G>A, p.Gly2747Glu (NM_001354899.2); c.8201G>A, p.Gly2734Glu (NM_001354900.2); c.8147G>A, p.Gly2716Glu (NM_001354901.2, NM_001407453.1); and 11 more; short protein forms G2615E, G2646E, G2684E, G2785E, G2674E, G2716E, G2747E, G2750E.
Identifiers: ClinVar variation 3305729 (VCV003305729.1).
Genomic context (GRCh38, chr5:112,843,918, plus strand): 5'-CTATAGTGGAACGTACCCCATTCAGTTCTAGCAGCTCAAGCAAACACAGTTCACCTAGTG[G>A]GACTGTTGCTGCCAGAGTGACTCCTTTTAATTACAACCCAAGCCCTAGGAAAAGCAGCGC-3'
Protein context (NP_000029.2, residues 2765-2785): SSSSKHSSPS[Gly2775Glu]TVAARVTPFN